The following is an entry in ClinVar:

ClinVar aggregate classification (germline): Uncertain significance (1 of 4 stars; one submission).

Conditions:
Joubert syndrome. Also called: CEREBELLOPARENCHYMAL DISORDER IV; JOUBERT-BOLTSHAUSER SYNDROME; Familial aplasia of the vermis. Identifiers: Orphanet 475, MedGen C5979921, MONDO:0018772.

Submission:

Labcorp Genetics (formerly Invitae), Labcorp
Classification: Uncertain significance for Joubert syndrome. Last evaluated: 2022-10-13. Review status: criteria provided, single submitter. Criteria: Invitae Variant Classification Sherloc (09022015). Collection method: clinical testing. Allele origin: germline.
Comment: In summary, the available evidence is currently insufficient to determine the role of this variant in disease. Therefore, it has been classified as a Variant of Uncertain Significance. Variants that disrupt the consensus splice site are a relatively common cause of aberrant splicing (PMID: 17576681, 9536098). Algorithms developed to predict the effect of sequence changes on RNA splicing suggest that this variant is not likely to affect RNA splicing. ClinVar contains an entry for this variant (Variation ID: 1393839). This variant has not been reported in the literature in individuals affected with AHI1-related conditions. This variant is not present in population databases (gnomAD no frequency). This sequence change falls in intron 7 of the AHI1 gene. It does not directly change the encoded amino acid sequence of the AHI1 protein. It affects a nucleotide within the consensus splice site.

Literature cited by the submitters: PubMed 17576681; PubMed 9536098.

NM_001134831.2(AHI1):c.931+3_931+4del

Gene: AHI1 (Abelson helper integration site 1; minus strand). Cytogenetic location: 6q23.3.
Variant type: Deletion.
Coding change: c.931+3_931+4del on transcript NM_001134831.2 (MANE Select); bases 3 to 4 of the intron after coding-DNA position 931, 2 bases deleted (TT; older notation c.931+3_931+4delTT).
Molecular consequence: splice donor variant.
Genome position (GRCh38, 1-based): chr6:135,463,121-135,463,122, AA deleted on the plus strand (TT on the coding strand, the reverse complement: AHI1 is on the minus strand); deleting any 2 consecutive bases within chr6:135,463,121-135,463,123 gives the same sequence; the c. name uses the placement nearest the transcript's 3' end. VCF-style (leftmost placement, unchanged base first): chr6-135463120-CAA-C. GRCh37 (hg19) VCF-style: chr6-135784258-CAA-C.
Other names: c.931+3_931+4del (NM_001134830.2, NM_001350503.2, NM_017651.5 and 2 more transcripts).
Identifiers: ClinVar variation 1393839 (VCV001393839.4), dbSNP rs2128092551, ClinGen allele CA2573140540.